The following is an entry in ClinVar:

ClinVar aggregate classification (germline): Uncertain significance (1 of 4 stars; one submission).

gnomAD v4.1: 2 of 1,614,130 alleles (0.00012%); highest among the groups gnomAD compares: Non-Finnish European, 0.00017%; no homozygotes.

Submission:

Women's Health and Genetics/Laboratory Corporation of America, LabCorp
Classification: Uncertain significance. Last evaluated: 2024-07-18. Review status: criteria provided, single submitter. Criteria: LabCorp Variant Classification Summary - May 2015. Collection method: clinical testing. Allele origin: germline.
Comment: Variant summary: KCNJ1 c.268G>T (p.Gly90Trp) results in a non-conservative amino acid change located in the Potassium channel, inwardly rectifying, transmembrane domain (IPR040445) of the encoded protein sequence. Five of five in-silico tools predict a damaging effect of the variant on protein function. The variant was absent in 251162 control chromosomes. The available data on variant occurrences in the general population are insufficient to allow any conclusion about variant significance. c.268G>T has been reported in the literature as compound heterozygous genotype in an individual affected with Bartter Syndrome, Type 2 (Sharma_2011). These data do not allow any conclusion about variant significance. To our knowledge, no experimental evidence demonstrating an impact on protein function has been reported. The following publication have been ascertained in the context of this evaluation (PMID: 21431899). ClinVar contains an entry for this variant (Variation ID: 1804659). Based on the evidence outlined above, the variant was classified as uncertain significance.

Literature cited by the submitters: PubMed 21431899.

NM_153766.3(KCNJ1):c.211G>T (p.Gly71Trp)

Gene: KCNJ1 (potassium inwardly rectifying channel subfamily J member 1; minus strand). Cytogenetic location: 11q24.3.
Variant type: single nucleotide variant.
Coding change: c.211G>T on transcript NM_153766.3 (MANE Select); coding-DNA position 211, G replaced by T.
Protein change: p.Gly71Trp; replaces glycine 71 with tryptophan.
Molecular consequence: missense variant.
Genome position (GRCh38, 1-based): chr11:128,840,033, C>A on the plus strand (G>T on the coding strand, the complement: KCNJ1 is on the minus strand). VCF-style: chr11-128840033-C-A. GRCh37 (hg19) VCF-style: chr11-128709928-C-A.
Other names: c.268G>T, p.Gly90Trp (NM_000220.6); c.211G>T, p.Gly71Trp (NM_153764.3, NM_153767.4); c.262G>T, p.Gly88Trp (NM_153765.3); short protein forms G71W, G88W, G90W.
Identifiers: ClinVar variation 1804659 (VCV001804659.2), dbSNP rs1312754738, ClinGen allele CA383246713.